The following is an entry in ClinVar:

ClinVar aggregate classification (germline): Pathogenic/Likely pathogenic. Review status: criteria provided, multiple submitters, no conflicts (2 of 4 stars). 3 submissions from 3 submitters: Pathogenic (1); Likely pathogenic (2). Last evaluated 2025-04-11.

Conditions:
Karyomegalic interstitial nephritis. Identifiers: Orphanet 401996, MedGen C3553774, MONDO:0013898, OMIM 614817.

Submissions (3):

Labcorp Genetics (formerly Invitae), Labcorp
Classification: Pathogenic. Last evaluated: 2025-04-11. Review status: criteria provided, single submitter. Criteria: Invitae Variant Classification Sherloc (09022015). Collection method: clinical testing. Allele origin: germline.
Comment: This sequence change creates a premature translational stop signal (p.Val308Cysfs*5) in the FAN1 gene. It is expected to result in an absent or disrupted protein product. Loss-of-function variants in FAN1 are known to be pathogenic (PMID: 22772369). This variant is present in population databases (rs774499986, gnomAD 0.02%). This variant has not been reported in the literature in individuals affected with FAN1-related conditions. ClinVar contains an entry for this variant (Variation ID: 421580). For these reasons, this variant has been classified as Pathogenic.

GeneDx
Classification: Likely pathogenic. Last evaluated: 2024-08-28. Review status: criteria provided, single submitter. Criteria: GeneDx Variant Classification Process June 2021. Collection method: clinical testing. Allele origin: germline. Affected: yes.
Comment: Identified heterozygous in a small number of individuals with cancer or with a family history suggestive of a cancer predisposition syndrome (PMID: 33193653, 31263571, 30639725); Frameshift variant predicted to result in protein truncation or nonsense mediated decay in a gene for which loss of function is a known mechanism of disease; Not observed at significant frequency in large population cohorts (gnomAD); This variant is associated with the following publications: (PMID: 31263571, 33193653, 30639725)

Fulgent Genetics
Classification: Likely pathogenic for Karyomegalic interstitial nephritis. Last evaluated: 2024-04-03. Review status: criteria provided, single submitter. Criteria: ACMG Guidelines, 2015. Collection method: clinical testing. Allele origin: germline.

Literature cited by the submitters: PubMed 22772369 (cited by Labcorp Genetics (formerly Invitae), Labcorp).

NM_014967.5(FAN1):c.922_923del (p.Val308fs)

Gene: FAN1 (FANCD2 and FANCI associated nuclease 1; plus strand). Cytogenetic location: 15q13.3.
Variant type: Deletion.
Coding change: c.922_923del on transcript NM_014967.5 (MANE Select); coding-DNA positions 922 to 923, 2 bases deleted (GT; older notation c.922_923delGT).
Protein change: p.Val308fs; shifts the reading frame from valine 308.
Molecular consequence: frameshift variant.
Genome position (GRCh38, 1-based): chr15:30,905,585-30,905,586, GT deleted; deleting any 2 consecutive bases within chr15:30,905,584-30,905,586 gives the same sequence; the c. name uses the placement nearest the transcript's 3' end. VCF-style (leftmost placement, unchanged base first): chr15-30905583-CTG-C. GRCh37 (hg19) VCF-style: chr15-31197786-CTG-C.
Other names: c.922_923delGT (NM_014967.4); c.922_923del, p.Val308fs (NM_001146094.2, NM_001146095.1, NM_001146096.2); short protein forms V308fs.
Identifiers: ClinVar variation 421580 (VCV000421580.11), dbSNP rs774499986, ClinGen allele CA7450154.